The following is an entry in ClinVar:

ClinVar aggregate classification (germline): Uncertain significance (1 of 4 stars; one submission).

Conditions:
Alpha-methylacyl-CoA racemase deficiency (AMACRD). Also called: AMACR deficiency. Identifiers: Orphanet 79095, MedGen C3280428, MONDO:0013681, OMIM 614307. Disease mechanism: loss of function.

gnomAD v4.1: 5 of 1,614,184 alleles (0.00031%); highest among the groups gnomAD compares: Non-Finnish European, 0.00042%; no homozygotes.

Submission:

Labcorp Genetics (formerly Invitae), Labcorp
Classification: Uncertain significance for Alpha-methylacyl-CoA racemase deficiency. Last evaluated: 2022-08-20. Review status: criteria provided, single submitter. Criteria: Invitae Variant Classification Sherloc (09022015). Collection method: clinical testing. Allele origin: germline.
Comment: This sequence change replaces histidine, which is basic and polar, with leucine, which is neutral and non-polar, at codon 305 of the AMACR protein (p.His305Leu). This variant is not present in population databases (gnomAD no frequency). This variant has not been reported in the literature in individuals affected with AMACR-related conditions. Algorithms developed to predict the effect of missense changes on protein structure and function output the following: SIFT: "Tolerated"; PolyPhen-2: "Benign"; Align-GVGD: "Class C0". The leucine amino acid residue is found in multiple mammalian species, which suggests that this missense change does not adversely affect protein function. In summary, the available evidence is currently insufficient to determine the role of this variant in disease. Therefore, it has been classified as a Variant of Uncertain Significance.

NM_014324.6(AMACR):c.914A>T (p.His305Leu)

Genes: C1QTNF3-AMACR (C1QTNF3-AMACR readthrough (NMD candidate); minus strand), AMACR (alpha-methylacyl-CoA racemase; minus strand). Cytogenetic location: 5p13.2.
Variant type: single nucleotide variant.
Coding change: c.914A>T on transcript NM_014324.6 (MANE Select); coding-DNA position 914, A replaced by T.
Protein change: p.His305Leu; replaces histidine 305 with leucine.
Molecular consequence: missense variant. On other transcripts: non-coding transcript variant (1), 3 prime UTR variant (1).
Genome position (GRCh38, 1-based): chr5:33,989,328, T>A on the plus strand (A>T on the coding strand, the complement: AMACR is on the minus strand). VCF-style: chr5-33989328-T-A. GRCh37 (hg19) VCF-style: chr5-33989433-T-A.
Other names: c.914A>T, p.His305Leu (NM_001167595.2); c.*156A>T (NM_203382.3); short protein forms H305L.
Identifiers: ClinVar variation 1910165 (VCV001910165.2), dbSNP rs1234892826, ClinGen allele CA359399034.